The following is an entry in ClinVar:

NM_003924.4(PHOX2B):c.539G>C (p.Arg180Thr)

Gene: PHOX2B (paired like homeobox 2B; minus strand). Cytogenetic location: 4p13.
Variant type: single nucleotide variant.
Coding change: c.539G>C on transcript NM_003924.4 (MANE Select); coding-DNA position 539, G replaced by C.
Protein change: p.Arg180Thr; replaces arginine 180 with threonine.
Molecular consequence: missense variant.
Genome position (GRCh38, 1-based): chr4:41,746,213, C>G on the plus strand (G>C on the coding strand, the complement: PHOX2B is on the minus strand). VCF-style: chr4-41746213-C-G. GRCh37 (hg19) VCF-style: chr4-41748230-C-G.
Other names: short protein forms R180T.
Identifiers: ClinVar variation 825699 (VCV000825699.17), dbSNP rs1395378700, ClinGen allele CA356738264.

ClinVar aggregate classification (germline): Uncertain significance. Review status: criteria provided, multiple submitters, no conflicts (2 of 4 stars). 4 submissions from 4 submitters: Uncertain significance (4). Last evaluated 2025-08-18.

Conditions:
Predisposition to neuroblastoma.
Hereditary cancer-predisposing syndrome. Also called: Neoplastic Syndromes, Hereditary; Tumor predisposition; Hereditary neoplastic syndrome; Hereditary Cancer Syndrome. Identifiers: Orphanet 140162, MedGen C0027672, MeSH D009386, MONDO:0015356.
Haddad syndrome (OHD). Also called: Ondine-Hirschsprung disease. Identifiers: Orphanet 99803, MedGen C1859049, MONDO:0020493.

Allele frequency attached by ClinVar (database versions not stated): gnomAD exomes below 0.00001; gnomAD 0.00001.
gnomAD v4.1: 3 of 1,613,804 alleles (0.00019%); highest among the groups gnomAD compares: African/African-American, 0.0013%; no homozygotes.

Submissions (4):

Ambry Genetics
Classification: Uncertain significance for Hereditary cancer-predisposing syndrome. Last evaluated: 2025-08-18. Review status: criteria provided, single submitter. Criteria: Ambry Variant Classification Scheme 2023. Collection method: clinical testing. Allele origin: germline.
Comment: The p.R180T variant (also known as c.539G>C), located in coding exon 3 of the PHOX2B gene, results from a G to C substitution at nucleotide position 539. The arginine at codon 180 is replaced by threonine, an amino acid with similar properties. This amino acid position is well conserved in available vertebrate species. In addition, this alteration is predicted to be tolerated by in silico analysis. Based on the available evidence, the clinical significance of this variant remains unclear.

GeneDx
Classification: Uncertain significance. Last evaluated: 2024-05-28. Review status: criteria provided, single submitter. Criteria: GeneDx Variant Classification Process June 2021. Collection method: clinical testing. Allele origin: germline. Affected: yes.
Comment: Not observed at significant frequency in large population cohorts (gnomAD); In silico analysis indicates that this missense variant does not alter protein structure/function; Has not been previously published as pathogenic or benign to our knowledge

Labcorp Genetics (formerly Invitae), Labcorp
Classification: Uncertain significance for Haddad syndrome. Last evaluated: 2023-08-31. Review status: criteria provided, single submitter. Criteria: Invitae Variant Classification Sherloc (09022015). Collection method: clinical testing. Allele origin: germline.
Comment: In summary, the available evidence is currently insufficient to determine the role of this variant in disease. Therefore, it has been classified as a Variant of Uncertain Significance. Advanced modeling of protein sequence and biophysical properties (such as structural, functional, and spatial information, amino acid conservation, physicochemical variation, residue mobility, and thermodynamic stability) performed at Invitae indicates that this missense variant is not expected to disrupt PHOX2B protein function. ClinVar contains an entry for this variant (Variation ID: 825699). This variant has not been reported in the literature in individuals affected with PHOX2B-related conditions. This variant is present in population databases (no rsID available, gnomAD 0.0009%). This sequence change replaces arginine, which is basic and polar, with threonine, which is neutral and polar, at codon 180 of the PHOX2B protein (p.Arg180Thr).

St. Jude Molecular Pathology, St. Jude Children's Research Hospital
Classification: Uncertain significance for Predisposition to neuroblastoma. Last evaluated: 2021-05-13. Review status: criteria provided, single submitter. Criteria: St. Jude Assertion Criteria 2020. Collection method: clinical testing. Allele origin: germline.
Comment: The PHOX2B c.539G>C (p.Arg180Thr) missense change has a maximum frequency of 0.00088% in gnomAD v2.1.1 (PM2_supporting). Six of seven in silico tools predict a benign effect of this variant on protein function (BP4), but to our knowledge these predictions have not been confirmed by functional assays. To our knowledge, this variant has not been reported in individuals with PHOX2B-related conditions. In summary, this variant meets criteria to be classified as of uncertain significance based on the ACMG/AMP criteria: PM2_supporting.